The following is an entry in ClinVar:

NM_006648.4(WNK2):c.5645G>C (p.Ser1882Thr)

Gene: WNK2 (WNK lysine deficient protein kinase 2; plus strand). Cytogenetic location: 9q22.31.
Variant type: single nucleotide variant.
Coding change: c.5645G>C on transcript NM_006648.4 (MANE Select); coding-DNA position 5645, G replaced by C.
Protein change: p.Ser1882Thr; replaces serine 1882 with threonine.
Molecular consequence: missense variant.
Genome position (GRCh38, 1-based): chr9:93,293,110, G>C. VCF-style: chr9-93293110-G-C. GRCh37 (hg19) VCF-style: chr9-96055392-G-C.
Other names: c.5756G>C, p.Ser1919Thr (NM_001282394.3); short protein forms S1882T, S1919T.
Identifiers: ClinVar variation 4866644 (VCV004866644.1).
Genomic context (GRCh38, chr9:93,293,110, plus strand): 5'-GCATGAAGGTCCCCACGATCAGCGTGACCTCCTTCCATTCCCAGTCGTCCTACATCAGCA[G>C]CGACAATGATTCGGAGCTCGAGGATGCTGACATAAAGAAGGAGCTGCAGAGTCTGCGGGA-3'
Protein context (NP_006639.3, residues 1872-1892): SFHSQSSYIS[Ser1882Thr]DNDSELEDAD

ClinVar aggregate classification (germline): Uncertain significance (1 of 4 stars; one submission).

Submission:

Ambry Genetics
Classification: Uncertain significance. Last evaluated: 2026-05-04. Review status: criteria provided, single submitter. Criteria: Ambry Variant Classification Scheme 2023. Collection method: clinical testing. Allele origin: germline.
Comment: The p.S1882T variant (also known as c.5645G>C), located in coding exon 22 of the WNK2 gene, results from a G to C substitution at nucleotide position 5645. The serine at codon 1882 is replaced by threonine, an amino acid with similar properties. This amino acid position is conserved. In addition, this alteration is predicted to be deleterious by in silico analysis. Based on the available evidence, the clinical significance of this variant remains unclear.